The following is an entry in ClinVar:

ClinVar aggregate classification (germline): Uncertain significance (1 of 4 stars; one submission).

Conditions:
T-B+ severe combined immunodeficiency due to JAK3 deficiency. Also called: SCID, autosomal recessive, T-negative/B-positive type; SCID, T CELL-NEGATIVE, B CELL-POSITIVE, NK CELL-NEGATIVE. Identifiers: Orphanet 35078, MedGen C1833275, MONDO:0010938, OMIM 600802.

gnomAD v4.1: 1 of 1,611,220 alleles (0.000062%); highest among the groups gnomAD compares: Non-Finnish European, 0.000085%; no homozygotes.

Submission:

Labcorp Genetics (formerly Invitae), Labcorp
Classification: Uncertain significance for T-B+ severe combined immunodeficiency due to JAK3 deficiency. Last evaluated: 2022-07-05. Review status: criteria provided, single submitter. Criteria: Invitae Variant Classification Sherloc (09022015). Collection method: clinical testing. Allele origin: germline.
Comment: In summary, the available evidence is currently insufficient to determine the role of this variant in disease. Therefore, it has been classified as a Variant of Uncertain Significance. This sequence change replaces aspartic acid, which is acidic and polar, with histidine, which is basic and polar, at codon 922 of the JAK3 protein (p.Asp922His). This variant is not present in population databases (gnomAD no frequency). This variant has not been reported in the literature in individuals affected with JAK3-related conditions. ClinVar contains an entry for this variant (Variation ID: 1498781). Algorithms developed to predict the effect of missense changes on protein structure and function output the following: SIFT: "Tolerated"; PolyPhen-2: "Benign"; Align-GVGD: "Class C0". The histidine amino acid residue is found in multiple mammalian species, which suggests that this missense change does not adversely affect protein function.

NM_000215.4(JAK3):c.2764G>C (p.Asp922His)

Gene: JAK3 (Janus kinase 3; minus strand). Cytogenetic location: 19p13.11.
Variant type: single nucleotide variant.
Coding change: c.2764G>C on transcript NM_000215.4 (MANE Select); coding-DNA position 2764, G replaced by C.
Protein change: p.Asp922His; replaces aspartic acid 922 with histidine.
Molecular consequence: missense variant.
Genome position (GRCh38, 1-based): chr19:17,831,715, C>G on the plus strand (G>C on the coding strand, the complement: JAK3 is on the minus strand). VCF-style: chr19-17831715-C-G. GRCh37 (hg19) VCF-style: chr19-17942524-C-G.
Other names: short protein forms D922H.
Identifiers: ClinVar variation 1498781 (VCV001498781.6), dbSNP rs763951351, ClinGen allele CA404765610.